The following is an entry in ClinVar:

NM_015295.3(SMCHD1):c.161C>T (p.Ala54Val)

Gene: SMCHD1 (structural maintenance of chromosomes flexible hinge domain containing 1; plus strand). Cytogenetic location: 18p11.32.
Variant type: single nucleotide variant.
Coding change: c.161C>T on transcript NM_015295.3 (MANE Select); coding-DNA position 161, C replaced by T.
Protein change: p.Ala54Val; replaces alanine 54 with valine.
Molecular consequence: missense variant.
Genome position (GRCh38, 1-based): chr18:2,656,236, C>T. VCF-style: chr18-2656236-C-T. GRCh37 (hg19) VCF-style: chr18-2656235-C-T.
Other names: short protein forms A54V.
Identifiers: ClinVar variation 3669947 (VCV003669947.2).

ClinVar aggregate classification (germline): Uncertain significance (1 of 4 stars; one submission).

Conditions:
Facioscapulohumeral muscular dystrophy 2 (FSHD2). Also called: MUSCULAR DYSTROPHY, FACIOSCAPULOHUMERAL, TYPE 1B; FACIOSCAPULOHUMERAL MUSCULAR DYSTROPHY 2, DIGENIC; FSHD2, DIGENIC. Identifiers: Orphanet 269, MedGen C1834671, MONDO:0008031, OMIM 158901.

gnomAD v4.1: 18 of 1,501,520 alleles (0.0012%); highest among the groups gnomAD compares: South Asian, 0.017%; no homozygotes.

Submission:

Labcorp Genetics (formerly Invitae), Labcorp
Classification: Uncertain significance for Facioscapulohumeral muscular dystrophy 2. Last evaluated: 2024-07-21. Review status: criteria provided, single submitter. Criteria: Invitae Variant Classification Sherloc (09022015). Collection method: clinical testing. Allele origin: germline.
Comment: This sequence change replaces alanine, which is neutral and non-polar, with valine, which is neutral and non-polar, at codon 54 of the SMCHD1 protein (p.Ala54Val). The frequency data for this variant in the population databases is considered unreliable, as metrics indicate poor data quality at this position in the gnomAD database. This variant has not been reported in the literature in individuals affected with SMCHD1-related conditions. An algorithm developed to predict the effect of missense changes on protein structure and function (PolyPhen-2) suggests that this variant is likely to be tolerated. In summary, the available evidence is currently insufficient to determine the role of this variant in disease. Therefore, it has been classified as a Variant of Uncertain Significance.